The following is an entry in ClinVar:

ClinVar aggregate classification (germline): Conflicting classifications of pathogenicity. Review status: criteria provided, conflicting classifications (1 of 4 stars). 2 submissions from 2 submitters: Likely pathogenic (1); Uncertain significance (1). Last evaluated 2025-07-31.

Conditions:
Niemann-Pick disease, type B. Also called: Chronic Visceral ASMD (Niemann-Pick Disease Type B; NPD-B). Identifiers: Orphanet 77293, MedGen C0268243, MONDO:0011871, OMIM 607616. Disease mechanism: loss of function.
Niemann-Pick disease, type A. Also called: Infantile Neurovisceral ASMD (Niemann-Pick Disease Type A; NPD-A); SPHINGOMYELIN LIPIDOSIS; SPHINGOMYELINASE DEFICIENCY. Identifiers: Orphanet 77292, MedGen C0268242, MONDO:0009756, OMIM 257200. Disease mechanism: loss of function.

Submissions (2):

Women's Health and Genetics/Laboratory Corporation of America, LabCorp
Classification: Uncertain significance. Last evaluated: 2025-07-31. Review status: criteria provided, single submitter. Criteria: LabCorp Variant Classification Summary - May 2015. Collection method: clinical testing. Allele origin: germline.
Comment: Variant summary: SMPD1 c.973C>T (p.Pro325Ser) results in a non-conservative amino acid change in the encoded protein sequence. Algorithms developed to predict the effect of missense changes on protein structure and function all suggest that this variant is likely to be disruptive. The variant was absent in 251464 control chromosomes. The available data on variant occurrences in the general population are insufficient to allow any conclusion about variant significance. To our knowledge, no occurrence of c.973C>T in individuals affected with Niemann-Pick Disease and no experimental evidence demonstrating its impact on protein function have been reported. ClinVar contains an entry for this variant (Variation ID: 2020354). Based on the evidence outlined above, the variant was classified as uncertain significance.

Labcorp Genetics (formerly Invitae), Labcorp
Classification: Likely pathogenic for Niemann-Pick disease, type B; Niemann-Pick disease, type A. Last evaluated: 2022-09-22. Review status: criteria provided, single submitter. Criteria: Invitae Variant Classification Sherloc (09022015). Collection method: clinical testing. Allele origin: germline.
Comment: Advanced modeling of protein sequence and biophysical properties (such as structural, functional, and spatial information, amino acid conservation, physicochemical variation, residue mobility, and thermodynamic stability) performed at Invitae indicates that this missense variant is expected to disrupt SMPD1 protein function. This variant has not been reported in the literature in individuals affected with SMPD1-related conditions. This variant is not present in population databases (gnomAD no frequency). This sequence change replaces proline, which is neutral and non-polar, with serine, which is neutral and polar, at codon 325 of the SMPD1 protein (p.Pro325Ser). This variant disrupts the p.Pro325 amino acid residue in SMPD1. Other variant(s) that disrupt this residue have been determined to be pathogenic (PMID: 15545621, 23430512, 26084044). This suggests that this residue is clinically significant, and that variants that disrupt this residue are likely to be disease-causing. In summary, the currently available evidence indicates that the variant is pathogenic, but additional data are needed to prove that conclusively. Therefore, this variant has been classified as Likely Pathogenic.

Literature cited by the submitters: PubMed 15545621 (cited by Labcorp Genetics (formerly Invitae), Labcorp); PubMed 23430512 (cited by Labcorp Genetics (formerly Invitae), Labcorp); PubMed 26084044 (cited by Labcorp Genetics (formerly Invitae), Labcorp).

NM_000543.5(SMPD1):c.973C>T (p.Pro325Ser)

Gene: SMPD1 (sphingomyelin phosphodiesterase 1; plus strand). Cytogenetic location: 11p15.4.
Variant type: single nucleotide variant.
Coding change: c.973C>T on transcript NM_000543.5 (MANE Select); coding-DNA position 973, C replaced by T.
Protein change: p.Pro325Ser; replaces proline 325 with serine.
Molecular consequence: missense variant. On other transcripts: synonymous variant (1), non-coding transcript variant (1).
Genome position (GRCh38, 1-based): chr11:6,392,038, C>T. VCF-style: chr11-6392038-C-T. GRCh37 (hg19) VCF-style: chr11-6413268-C-T.
Other names: c.970C>T, p.Pro324Ser (NM_001007593.3); c.973C>T, p.Pro325Ser (NM_001318087.2, NM_001365135.2); c.12C>T, p.His4= (NM_001318088.2); short protein forms P324S, P325S.
Identifiers: ClinVar variation 2020354 (VCV002020354.6), dbSNP rs761308217, ClinGen allele CA379371452.